The following is an entry in ClinVar:

NM_000094.4(COL7A1):c.6715-2_6715-1del

Gene: COL7A1 (collagen type VII alpha 1 chain; minus strand). Cytogenetic location: 3p21.31.
Variant type: Deletion.
Coding change: c.6715-2_6715-1del on transcript NM_000094.4 (MANE Select); the canonical splice acceptor site of the intron before coding-DNA position 6715, 2 bases deleted (AG; older notation c.6715-2_6715-1delAG).
Molecular consequence: splice acceptor variant.
Genome position (GRCh38, 1-based): chr3:48,573,057-48,573,058, CT deleted on the plus strand (AG on the coding strand, the reverse complement: COL7A1 is on the minus strand). VCF-style (leftmost placement, unchanged base first): chr3-48573056-CCT-C. GRCh37 (hg19) VCF-style: chr3-48610489-CCT-C.
Identifiers: ClinVar variation 4065296 (VCV004065296.2).
Genomic context (GRCh38, chr3:48,573,056, plus strand): 5'-CCAACCCTTGACCCCCAGAACTCACCACTTGTCCAGGCAAACCTGGAGACCCCTGTGGAC[CCT>C]GACGGAGAACAAGTCGGATGTCAGGGTGACAATGGACACAGGACGACATGAGAGAACATG-3'

ClinVar aggregate classification (germline): Likely pathogenic (1 of 4 stars; one submission).

Conditions:
Epidermolysis bullosa dystrophica. Also called: Dystrophic epidermolysis bullosa, Hallopeau-Siemens type (formerly); Dystrophic epidermolysis bullosa. Identifiers: Orphanet 303, MedGen C0079294, MONDO:0006543.

Submission:

Natera, Inc.
Classification: Likely pathogenic for Dystrophic epidermolysis bullosa. Last evaluated: 2025-01-03. Review status: criteria provided, single submitter. Criteria: Natera Variant Classification Schema (03/2026). Collection method: clinical testing. Allele origin: germline.
Comment: The c.6715-2_6715-1del variant in COL7A1 is a canonical splice acceptor site variant predicted to affect pre-mRNA splicing, which may result in an abnormal transcript and altered protein product. This variant is expected to result in nonsense mediated decay, truncation, or a dysfunctional protein product. This variant is rare in the general population with a frequency below the threshold expected for the associated phenotype(s). Given the available evidence, this variant is classified as Likely Pathogenic.